The following is an entry in ClinVar:

NM_000310.4(PPT1):c.263del (p.Val88fs)

Gene: PPT1 (palmitoyl-protein thioesterase 1; minus strand). Cytogenetic location: 1p34.2.
Variant type: Deletion.
Coding change: c.263del on transcript NM_000310.4 (MANE Select); coding-DNA position 263, one base deleted (T; older notation c.263delT).
Protein change: p.Val88fs; shifts the reading frame from valine 88.
Molecular consequence: frameshift variant. On other transcripts: intron variant (1).
Genome position (GRCh38, 1-based): chr1:40,092,144, A deleted on the plus strand (T on the coding strand, the reverse complement: PPT1 is on the minus strand). VCF-style (leftmost placement, unchanged base first): chr1-40092143-GA-G. GRCh37 (hg19) VCF-style: chr1-40557815-GA-G.
Other names: c.263del, p.Val88fs (NM_001363695.2); c.125-2632del (NM_001142604.2); short protein forms V88fs.
Identifiers: ClinVar variation 1073044 (VCV001073044.7), dbSNP rs2124487925, ClinGen allele CA2499214708.

ClinVar aggregate classification (germline): Pathogenic (1 of 4 stars; one submission).

Conditions:
Neuronal ceroid lipofuscinosis 1 (CLN1). Also called: CEROID LIPOFUSCINOSIS, NEURONAL, 1, VARIABLE AGE AT ONSET; PPT1-Related Neuronal Ceroid-Lipofuscinosis. Identifiers: Orphanet 228329, MedGen C1850451, MONDO:0009744, OMIM 256730.

Submission:

Labcorp Genetics (formerly Invitae), Labcorp
Classification: Pathogenic for Neuronal ceroid lipofuscinosis 1. Last evaluated: 2020-06-10. Review status: criteria provided, single submitter. Criteria: Invitae Variant Classification Sherloc (09022015). Collection method: clinical testing. Allele origin: germline.
Comment: For these reasons, this variant has been classified as Pathogenic. Loss-of-function variants in PPT1 are known to be pathogenic (PMID: 10679943, 21990111). This variant has not been reported in the literature in individuals with PPT1-related conditions. This variant is not present in population databases (ExAC no frequency). This sequence change creates a premature translational stop signal (p.Val88Alafs*5) in the PPT1 gene. It is expected to result in an absent or disrupted protein product.

Literature cited by the submitters: PubMed 10679943; PubMed 21990111.